The following is an entry in ClinVar:

NM_001099274.3(TINF2):c.-172A>C

Genes: TINF2 (TERF1 interacting nuclear factor 2; minus strand), LOC130055404 (ATAC-STARR-seq lymphoblastoid active region 8200; plus strand). Cytogenetic location: 14q12.
Variant type: single nucleotide variant.
Coding change: c.-172A>C on transcript NM_001099274.3 (MANE Select); 172 bases upstream of the start codon, A replaced by C.
Molecular consequence: 5 prime UTR variant.
Genome position (GRCh38, 1-based): chr14:24,242,504, T>G on the plus strand (A>C on the coding strand, the complement: TINF2 is on the minus strand). VCF-style: chr14-24242504-T-G. GRCh37 (hg19) VCF-style: chr14-24711710-T-G.
Other names: c.-172A>C (NM_001363668.2, NM_012461.3).
Identifiers: ClinVar variation 312962 (VCV000312962.5), dbSNP rs11557911, ClinGen allele CA10644035.

ClinVar aggregate classification (germline): Benign. Review status: criteria provided, single submitter (1 of 4 stars). 2 submissions from 1 submitter: Benign (2). Last evaluated 2018-01-12.

Conditions:
Dyskeratosis congenita, autosomal dominant 3. Identifiers: MedGen C3151445, MONDO:0013522, OMIM 613990.
Revesz syndrome. Also called: EXUDATIVE RETINOPATHY WITH BONE MARROW FAILURE; DYSKERATOSIS CONGENITA, AUTOSOMAL DOMINANT 5. Identifiers: Orphanet 3088, MedGen C1327916, MONDO:0009990, OMIM 268130.

Allele frequency attached by ClinVar (database versions not stated): gnomAD 0.00033 and 0.00042; gnomAD exomes 0.00035; TOPMed 0.00055; 1000 Genomes Project 30x 0.00234; 1000 Genomes Project 0.00379.

Submissions (2):

Illumina Laboratory Services, Illumina
Classification: Benign for Revesz syndrome. Last evaluated: 2018-01-12. Review status: criteria provided, single submitter. Criteria: ICSL Variant Classification Criteria 13 December 2019. Collection method: clinical testing. Allele origin: germline.
Comment: This variant was observed in the ICSL laboratory as part of a predisposition screen in an ostensibly healthy population. It had not been previously curated by ICSL or reported in the Human Gene Mutation Database (HGMD: prior to June 1st, 2018), and was therefore a candidate for classification through an automated scoring system. Utilizing variant allele frequency, disease prevalence and penetrance estimates, and inheritance mode, an automated score was calculated to assess if this variant is too frequent to cause the disease. Based on the score and internal cut-off values, a variant classified as benign is not then subjected to further curation. The score for this variant resulted in a classification of benign for this disease.

Illumina Laboratory Services, Illumina
Classification: Benign for Dyskeratosis congenita, autosomal dominant 3. Last evaluated: 2018-01-12. Review status: criteria provided, single submitter. Criteria: ICSL Variant Classification Criteria 13 December 2019. Collection method: clinical testing. Allele origin: germline.
Comment: the same text as in the submission from Illumina Laboratory Services, Illumina above.